The following is an entry in ClinVar:

ClinVar aggregate classification (germline): Uncertain significance (1 of 4 stars; one submission).

gnomAD v4.1: 10 of 1,614,218 alleles (0.00062%); highest among the groups gnomAD compares: Admixed American, 0.0017%; no homozygotes.

Submission:

Labcorp Genetics (formerly Invitae), Labcorp
Classification: Uncertain significance. Last evaluated: 2022-07-04. Review status: criteria provided, single submitter. Criteria: Invitae Variant Classification Sherloc (09022015). Collection method: clinical testing. Allele origin: germline.
Comment: This sequence change replaces arginine, which is basic and polar, with cysteine, which is neutral and slightly polar, at codon 81 of the CNGA3 protein (p.Arg81Cys). This variant is present in population databases (rs374507358, gnomAD 0.003%). This variant has not been reported in the literature in individuals affected with CNGA3-related conditions. Algorithms developed to predict the effect of missense changes on protein structure and function are either unavailable or do not agree on the potential impact of this missense change (SIFT: "Deleterious"; PolyPhen-2: "Possibly Damaging"; Align-GVGD: "Class C0"). Algorithms developed to predict the effect of sequence changes on RNA splicing suggest that this variant may create or strengthen a splice site. In summary, the available evidence is currently insufficient to determine the role of this variant in disease. Therefore, it has been classified as a Variant of Uncertain Significance.

NM_001298.3(CNGA3):c.241C>T (p.Arg81Cys)

Gene: CNGA3 (cyclic nucleotide gated channel subunit alpha 3; plus strand). Cytogenetic location: 2q11.2.
Variant type: single nucleotide variant.
Coding change: c.241C>T on transcript NM_001298.3 (MANE Select); coding-DNA position 241, C replaced by T.
Protein change: p.Arg81Cys; replaces arginine 81 with cysteine.
Molecular consequence: missense variant.
Genome position (GRCh38, 1-based): chr2:98,380,200, C>T. VCF-style: chr2-98380200-C-T. GRCh37 (hg19) VCF-style: chr2-98996663-C-T.
Other names: c.241C>T, p.Arg81Cys (NM_001079878.2); short protein forms R81C.
Identifiers: ClinVar variation 2014141 (VCV002014141.1), dbSNP rs374507358, ClinGen allele CA1793673.